The following is an entry in ClinVar:

ClinVar aggregate classification (germline): Pathogenic. Review status: criteria provided, multiple submitters, no conflicts (2 of 4 stars). 2 submissions from 2 submitters: Pathogenic (2). Last evaluated 2025-10-07.

Conditions:
Hereditary cancer-predisposing syndrome. Also called: Tumor predisposition; Hereditary Cancer Syndrome; Neoplastic Syndromes, Hereditary; Hereditary neoplastic syndrome. Identifiers: Orphanet 140162, MedGen C0027672, MeSH D009386, MONDO:0015356.
Familial adenomatous polyposis 1 (FAP1). Also called: FAMILIAL ADENOMATOUS POLYPOSIS 1, ATTENUATED; POLYPOSIS, ADENOMATOUS INTESTINAL. Identifiers: MedGen C2713442, MONDO:0021056, OMIM 175100. Disease mechanism: loss of function.

Submissions (2):

Labcorp Genetics (formerly Invitae), Labcorp
Classification: Pathogenic for Familial adenomatous polyposis 1. Last evaluated: 2025-10-07. Review status: criteria provided, single submitter. Criteria: Invitae Variant Classification Sherloc (09022015). Collection method: clinical testing. Allele origin: germline.
Comment: This sequence change creates a premature translational stop signal (p.Leu954*) in the APC gene. While this is not anticipated to result in nonsense mediated decay, it is expected to disrupt the last 1890 amino acid(s) of the APC protein. This variant is not present in population databases (gnomAD no frequency). This variant has not been reported in the literature in individuals affected with APC-related conditions. ClinVar contains an entry for this variant (Variation ID: 1796971). This variant is expected to disrupt the EB1 and HDLG binding sites, which mediate interactions with the cytoskeleton (PMID: 15311282, 17293347). While functional studies have not been performed to directly test the effect on APC protein function, this suggests that disruption of the C-terminal portion of the protein is functionally important. A different truncation (p.Tyr2645Lysfs*14) that lies downstream of this variant has been determined to be pathogenic (PMID: 9824584, 1316610, 27081525, 8381579, 22135120, internal data). This suggests that deletion of this region of the APC protein is causative of disease. For these reasons, this variant has been classified as Pathogenic.

Ambry Genetics
Classification: Pathogenic for Hereditary cancer-predisposing syndrome. Last evaluated: 2017-03-28. Review status: criteria provided, single submitter. Criteria: Ambry Variant Classification Scheme 2023. Collection method: clinical testing. Allele origin: germline.
Comment: The p.L954* pathogenic mutation (also known as c.2861T>G), located in coding exon 15 of the APC gene, results from a T to G substitution at nucleotide position 2861. This changes the amino acid from a leucine to a stop codon within coding exon 15. This alteration is expected to result in loss of function by premature protein truncation. As such, this alteration is interpreted as a disease-causing mutation.

Literature cited by the submitters: PubMed 15311282 (cited by Labcorp Genetics (formerly Invitae), Labcorp); PubMed 17293347 (cited by Labcorp Genetics (formerly Invitae), Labcorp); PubMed 9824584 (cited by Labcorp Genetics (formerly Invitae), Labcorp); PubMed 1316610 (cited by Labcorp Genetics (formerly Invitae), Labcorp); PubMed 27081525 (cited by Labcorp Genetics (formerly Invitae), Labcorp); PubMed 8381579 (cited by Labcorp Genetics (formerly Invitae), Labcorp); PubMed 22135120 (cited by Labcorp Genetics (formerly Invitae), Labcorp).

NM_000038.6(APC):c.2861T>G (p.Leu954Ter)

Gene: APC (APC regulator of Wnt signaling pathway; plus strand). Cytogenetic location: 5q22.2.
Variant type: single nucleotide variant.
Coding change: c.2861T>G on transcript NM_000038.6 (MANE Select); coding-DNA position 2861, T replaced by G.
Protein change: p.Leu954Ter; replaces leucine 954 with a stop codon.
Molecular consequence: nonsense.
Genome position (GRCh38, 1-based): chr5:112,838,455, T>G. VCF-style: chr5-112838455-T-G. GRCh37 (hg19) VCF-style: chr5-112174152-T-G.
Other names: c.2474T>G, p.Leu825Ter (NM_001407469.1, NM_001407467.1); c.2012T>G, p.Leu671Ter (NM_001407470.1, NM_001354906.2); c.1709T>G, p.Leu570Ter (NM_001407471.1, NM_001407472.1); c.2861T>G, p.Leu954Ter (NM_001127510.3, NM_001354895.2, NM_001407450.1); c.2807T>G, p.Leu936Ter (NM_001127511.3); c.2915T>G, p.Leu972Ter (NM_001354896.2, NM_001407447.1, NM_001407448.1 and 1 more transcripts); c.2891T>G, p.Leu964Ter (NM_001354897.2); c.2786T>G, p.Leu929Ter (NM_001354898.2); and 11 more; short protein forms L570*, L828*, L936*, L954*, L794*, L825*, L972*, L671*.
Identifiers: ClinVar variation 1796971 (VCV001796971.5), dbSNP rs2149878966, ClinGen allele CA16027571.